The following is an entry in ClinVar:

ClinVar aggregate classification (germline): Uncertain significance (1 of 4 stars; one submission).

Submission:

Labcorp Genetics (formerly Invitae), Labcorp
Classification: Uncertain significance. Last evaluated: 2022-05-25. Review status: criteria provided, single submitter. Criteria: Invitae Variant Classification Sherloc (09022015). Collection method: clinical testing. Allele origin: germline.
Comment: Algorithms developed to predict the effect of missense changes on protein structure and function are either unavailable or do not agree on the potential impact of this missense change (SIFT: "Deleterious"; PolyPhen-2: "Possibly Damaging"; Align-GVGD: "Class C0"). In summary, the available evidence is currently insufficient to determine the role of this variant in disease. Therefore, it has been classified as a Variant of Uncertain Significance. This variant has not been reported in the literature in individuals affected with CFAP410-related conditions. This variant is not present in population databases (gnomAD no frequency). This sequence change replaces arginine, which is basic and polar, with histidine, which is basic and polar, at codon 21 of the CFAP410 protein (p.Arg21His).

NM_004928.3(CFAP410):c.62G>A (p.Arg21His)

Genes: CFAP410 (cilia and flagella associated protein 410; minus strand), LOC130066823 (ATAC-STARR-seq lymphoblastoid silent region 13383; plus strand). Cytogenetic location: 21q22.3.
Variant type: single nucleotide variant.
Coding change: c.62G>A on transcript NM_004928.3 (MANE Select); coding-DNA position 62, G replaced by A.
Protein change: p.Arg21His; replaces arginine 21 with histidine.
Molecular consequence: missense variant.
Genome position (GRCh38, 1-based): chr21:44,339,133, C>T on the plus strand (G>A on the coding strand, the complement: CFAP410 is on the minus strand). VCF-style: chr21-44339133-C-T. GRCh37 (hg19) VCF-style: chr21-45759016-C-T.
Other names: c.62G>A, p.Arg21His (NM_001271440.2, NM_001271441.2); short protein forms R21H.
Identifiers: ClinVar variation 2125649 (VCV002125649.4), dbSNP rs763307422, ClinGen allele CA10053910.